The following is an entry in ClinVar:

ClinVar aggregate classification (germline): Likely benign (0 of 4 stars; one submission).

Conditions:
NDUFAF6-related disorder. Also called: NDUFAF6-related condition.

Allele frequency attached by ClinVar (database versions not stated): ExAC 0.00001; gnomAD exomes 0.00002; gnomAD 0.00004; TOPMed 0.00005; ESP Exome Variant Server 0.00009.
gnomAD v4.1: 34 of 1,523,086 alleles (0.0022%); highest among the groups gnomAD compares: African/African-American, 0.0041%; no homozygotes.

Submission:

PreventionGenetics, part of Exact Sciences
Classification: Likely benign for NDUFAF6-related condition. Last evaluated: 2019-09-05. Review status: no assertion criteria provided. Collection method: clinical testing. Allele origin: germline.
Comment: This variant is classified as likely benign based on ACMG/AMP sequence variant interpretation guidelines (Richards et al. 2015 PMID: 25741868, with internal and published modifications).

NM_152416.4(NDUFAF6):c.*6T>C

Gene: NDUFAF6 (NADH:ubiquinone oxidoreductase complex assembly factor 6; plus strand). Cytogenetic location: 8q22.1.
Variant type: single nucleotide variant.
Coding change: c.*6T>C on transcript NM_152416.4 (MANE Select); 6 bases downstream of the stop codon, T replaced by C.
Molecular consequence: 3 prime UTR variant. On other transcripts: non-coding transcript variant (3), intron variant (1).
Genome position (GRCh38, 1-based): chr8:95,057,943, T>C. VCF-style: chr8-95057943-T-C. GRCh37 (hg19) VCF-style: chr8-96070171-T-C.
Other names: c.*6T>C (NM_001330582.2, NM_001354514.2, NM_001354515.2 and 15 more transcripts); c.483+9385T>C (NM_001354534.2).
Identifiers: ClinVar variation 3053519 (VCV003053519.2), dbSNP rs376144629, ClinGen allele CA4814972.
Genomic context (GRCh38, chr8:95,057,943, plus strand): 5'-GAATACATTACTTCCATTATATTTGTATATTCAGTCATGGAGAAAAACATATTAAAATAA[T>C]TTCATGGCATTGATGTTAATTCTAGTCTATTAGTTTTATAAAAGTTAGGATTCTTATTTA-3'